The following is an entry in ClinVar:

NM_000268.4(NF2):c.1400G>A (p.Arg467Lys)

Gene: NF2 (NF2, moesin-ezrin-radixin like (MERLIN) tumor suppressor; plus strand). Cytogenetic location: 22q12.2.
Variant type: single nucleotide variant.
Coding change: c.1400G>A on transcript NM_000268.4 (MANE Select); coding-DNA position 1400, G replaced by A.
Protein change: p.Arg467Lys; replaces arginine 467 with lysine.
Molecular consequence: missense variant. On other transcripts: non-coding transcript variant (1), intron variant (1).
Genome position (GRCh38, 1-based): chr22:29,674,895, G>A. VCF-style: chr22-29674895-G-A. GRCh37 (hg19) VCF-style: chr22-30070884-G-A.
Other names: c.1400G>A, p.Arg467Lys (NM_016418.5, NM_181825.3, NM_181832.3); c.1274G>A, p.Arg425Lys (NM_181828.3); c.1277G>A, p.Arg426Lys (NM_181829.3); c.1151G>A, p.Arg384Lys (NM_181830.3, NM_181831.3); c.448-19857G>A (NM_181833.3); short protein forms R425K, R467K, R384K, R426K.
Identifiers: ClinVar variation 654279 (VCV000654279.18), dbSNP rs1294032875, ClinGen allele CA411149046.

ClinVar aggregate classification (germline): Uncertain significance. Review status: criteria provided, multiple submitters, no conflicts (2 of 4 stars). 6 submissions from 6 submitters: Uncertain significance (6). Last evaluated 2025-02-07.

Conditions:
Familial meningioma. Also called: Meningioma, familial, susceptibility to. Identifiers: Orphanet 263662, MedGen C3551915, MONDO:0011789, OMIM 607174.
Neurofibromatosis, type 2 (SWNV). Also called: BILATERAL ACOUSTIC NEUROFIBROMATOSIS; SCHWANNOMATOSIS, VESTIBULAR; NF2-Related Schwannomatosis. Identifiers: Orphanet 637, MedGen C0027832, MONDO:0007039, OMIM 101000. Disease mechanism: loss of function.
Hereditary cancer-predisposing syndrome. Also called: Tumor predisposition; Neoplastic Syndromes, Hereditary; Hereditary Cancer Syndrome; Hereditary neoplastic syndrome. Identifiers: Orphanet 140162, MedGen C0027672, MeSH D009386, MONDO:0015356.

Allele frequency attached by ClinVar (database versions not stated): TOPMed below 0.00001; gnomAD 0.00001; gnomAD exomes 0.00001 and 0.00003.
gnomAD v4.1: 15 of 1,574,658 alleles (0.00095%); highest among the groups gnomAD compares: East Asian, 0.035%; no homozygotes.

Submissions (6):

Ambry Genetics
Classification: Uncertain significance for Hereditary cancer-predisposing syndrome. Last evaluated: 2025-02-07. Review status: criteria provided, single submitter. Criteria: Ambry Variant Classification Scheme 2023. Collection method: clinical testing. Allele origin: germline.
Comment: The p.R467K variant (also known as c.1400G>A), located in coding exon 13 of the NF2 gene, results from a G to A substitution at nucleotide position 1400. The arginine at codon 467 is replaced by lysine, an amino acid with highly similar properties. This amino acid position is highly conserved in available vertebrate species. In addition, this alteration is predicted to be tolerated by in silico analysis. Since supporting evidence is limited at this time, the clinical significance of this alteration remains unclear.

Labcorp Genetics (formerly Invitae), Labcorp
Classification: Uncertain significance for Neurofibromatosis, type 2. Last evaluated: 2024-10-17. Review status: criteria provided, single submitter. Criteria: Invitae Variant Classification Sherloc (09022015). Collection method: clinical testing. Allele origin: germline.
Comment: This sequence change replaces arginine, which is basic and polar, with lysine, which is basic and polar, at codon 467 of the NF2 protein (p.Arg467Lys). The frequency data for this variant in the population databases is considered unreliable, as metrics indicate poor data quality at this position in the gnomAD database. This variant has not been reported in the literature in individuals affected with NF2-related conditions. ClinVar contains an entry for this variant (Variation ID: 654279). Invitae Evidence Modeling of protein sequence and biophysical properties (such as structural, functional, and spatial information, amino acid conservation, physicochemical variation, residue mobility, and thermodynamic stability) indicates that this missense variant is not expected to disrupt NF2 protein function with a negative predictive value of 80%. In summary, the available evidence is currently insufficient to determine the role of this variant in disease. Therefore, it has been classified as a Variant of Uncertain Significance.

All of Us Research Program, National Institutes of Health
Classification: Uncertain significance for Neurofibromatosis, type 2. Last evaluated: 2024-05-14. Review status: criteria provided, single submitter. Criteria: ACMG Guidelines, 2015. Collection method: clinical testing. Allele origin: germline. Inheritance: Autosomal dominant inheritance. Observed: 1 variant allele, 1 heterozygote.
Comment: This missense variant replaces arginine with lysine at codon 467 of the NF2 protein. Computational prediction suggests that this variant may not impact protein structure and function. To our knowledge, functional studies have not been reported for this variant. This variant has not been reported in individuals affected with NF2-related disorders in the literature. This variant has been identified in 1/188466 chromosomes in the general population by the Genome Aggregation Database (gnomAD). The available evidence is insufficient to determine the role of this variant in disease conclusively. Therefore, this variant is classified as a Variant of Uncertain Significance.

This study involves interpretation of variants in research participants for the purpose of population health screening. Participant phenotype was not available at the time of variant classification. Additional details can be found in publication PMID: 35346344, PMCID: PMC8962531

Baylor Genetics
Classification: Uncertain significance for Familial meningioma. Last evaluated: 2023-07-31. Review status: criteria provided, single submitter. Criteria: ACMG Guidelines, 2015. Collection method: clinical testing. Allele origin: unknown.

Genome-Nilou Lab
Classification: Uncertain significance for Neurofibromatosis, type 2. Last evaluated: 2021-11-07. Review status: criteria provided, single submitter. Criteria: ACMG Guidelines, 2015. Collection method: clinical testing. Allele origin: germline. Affected: no.

Illumina Laboratory Services, Illumina
Classification: Uncertain significance for Neurofibromatosis, type 2. Last evaluated: 2017-04-27. Review status: criteria provided, single submitter. Criteria: ICSL Variant Classification Criteria 13 December 2019. Collection method: clinical testing. Allele origin: germline.